The following is an entry in ClinVar:

NM_014159.7(SETD2):c.603A>G (p.Thr201=)

Gene: SETD2 (SET domain containing 2, histone lysine methyltransferase; minus strand). Cytogenetic location: 3p21.31.
Variant type: single nucleotide variant.
Coding change: c.603A>G on transcript NM_014159.7 (MANE Select); coding-DNA position 603, A replaced by G.
Protein change: p.Thr201=; no amino-acid change (threonine 201 retained).
Molecular consequence: synonymous variant. On other transcripts: non-coding transcript variant (1).
Genome position (GRCh38, 1-based): chr3:47,124,033, T>C on the plus strand (A>G on the coding strand, the complement: SETD2 is on the minus strand). VCF-style: chr3-47124033-T-C. GRCh37 (hg19) VCF-style: chr3-47165523-T-C.
Other names: c.471A>G, p.Thr157= (NM_001349370.3).
Identifiers: ClinVar variation 1334663 (VCV001334663.6), dbSNP rs2043221625, ClinGen allele CA433602984.

ClinVar aggregate classification (germline): Conflicting classifications of pathogenicity. Review status: criteria provided, conflicting classifications (1 of 4 stars). 2 submissions from 2 submitters: Uncertain significance (1); Likely benign (1). Last evaluated 2025-04-24.

Conditions:
Luscan-Lumish syndrome. Identifiers: Orphanet 597738, MedGen C4085873, MONDO:0014791, OMIM 616831.

Allele frequency attached by ClinVar (database versions not stated): gnomAD exomes below 0.00001; gnomAD 0.00002; TOPMed 0.00002.

Submissions (2):

Labcorp Genetics (formerly Invitae), Labcorp
Classification: Likely benign for Luscan-Lumish syndrome. Last evaluated: 2025-04-24. Review status: criteria provided, single submitter. Criteria: Invitae Variant Classification Sherloc (09022015). Collection method: clinical testing. Allele origin: germline.

Greenwood Genetic Center Diagnostic Laboratories, Greenwood Genetic Center
Classification: Uncertain significance. Last evaluated: 2021-11-17. Review status: criteria provided, single submitter. Criteria: ACMG Guidelines, 2015. Collection method: clinical testing. Allele origin: germline. Affected: yes.
Comment: PM2